The following is an entry in ClinVar:

ClinVar aggregate classification (germline): Conflicting classifications of pathogenicity. Review status: criteria provided, conflicting classifications (1 of 4 stars). 4 submissions from 4 submitters: Uncertain significance (3); Likely benign (1). Last evaluated 2023-09-08.

Conditions:
Hereditary cancer-predisposing syndrome. Also called: Hereditary neoplastic syndrome; Neoplastic Syndromes, Hereditary; Tumor predisposition; Hereditary Cancer Syndrome. Identifiers: Orphanet 140162, MedGen C0027672, MeSH D009386, MONDO:0015356.
Hereditary breast ovarian cancer syndrome. Also called: Hereditary breast and/or ovarian cancer syndrome; Hereditary breast and ovarian cancer syndrome; Hereditary breast and ovarian cancer; Breast and ovarian cancer; Hereditary breast and ovarian cancer syndrome (HBOC); BRCA1- and BRCA2-Associated Hereditary Breast and Ovarian Cancer. Identifiers: Orphanet 145, MedGen C0677776, MeSH D061325, MONDO:0003582. Disease mechanism: loss of function.

Submissions (4):

Ambry Genetics
Classification: Uncertain significance for Hereditary cancer-predisposing syndrome. Last evaluated: 2023-09-08. Review status: criteria provided, single submitter. Criteria: Ambry Variant Classification Scheme 2023. Collection method: clinical testing. Allele origin: germline.
Comment: The p.S2072F variant (also known as c.6215C>T), located in coding exon 10 of the BRCA2 gene, results from a C to T substitution at nucleotide position 6215. The serine at codon 2072 is replaced by phenylalanine, an amino acid with highly dissimilar properties. This amino acid position is poorly conserved in available vertebrate species. In addition, the in silico prediction for this alteration is inconclusive. Since supporting evidence is limited at this time, the clinical significance of this alteration remains unclear.

University of Washington Department of Laboratory Medicine, University of Washington
Classification: Likely benign for Hereditary cancer-predisposing syndrome. Last evaluated: 2023-03-23. Review status: criteria provided, single submitter. Criteria: Dines et al. (Genet Med. 2020). Collection method: curation. Allele origin: germline.
Comment: Missense variant in a coldspot region where missense variants are very unlikely to be pathogenic (PMID:31911673).

BRCA2 exon 11 coldspot. Reclassification based on statistical prior probability.

Institute for Clinical Genetics, University Hospital TU Dresden, University Hospital TU Dresden
Classification: Uncertain significance. Last evaluated: 2021-11-03. Review status: criteria provided, single submitter. Criteria: ACMG Guidelines, 2015. Collection method: clinical testing. Allele origin: germline.

Labcorp Genetics (formerly Invitae), Labcorp
Classification: Uncertain significance for Hereditary breast ovarian cancer syndrome. Last evaluated: 2020-10-29. Review status: criteria provided, single submitter. Criteria: Invitae Variant Classification Sherloc (09022015). Collection method: clinical testing. Allele origin: germline.
Comment: In summary, the available evidence is currently insufficient to determine the role of this variant in disease. Therefore, it has been classified as a Variant of Uncertain Significance. Algorithms developed to predict the effect of missense changes on protein structure and function are either unavailable or do not agree on the potential impact of this missense change (SIFT: "Deleterious"; PolyPhen-2: "Possibly Damaging"; Align-GVGD: "Class C15"). This variant has not been reported in the literature in individuals with BRCA2-related conditions. This variant is not present in population databases (ExAC no frequency). This sequence change replaces serine with phenylalanine at codon 2072 of the BRCA2 protein (p.Ser2072Phe). The serine residue is weakly conserved and there is a large physicochemical difference between serine and phenylalanine.

NM_000059.4(BRCA2):c.6215C>T (p.Ser2072Phe)

Gene: BRCA2 (BRCA2 DNA repair associated; plus strand). Cytogenetic location: 13q13.1.
Variant type: single nucleotide variant.
Coding change: c.6215C>T on transcript NM_000059.4 (MANE Select); coding-DNA position 6215, C replaced by T.
Protein change: p.Ser2072Phe; replaces serine 2072 with phenylalanine.
Molecular consequence: missense variant.
Genome position (GRCh38, 1-based): chr13:32,340,570, C>T. VCF-style: chr13-32340570-C-T. GRCh37 (hg19) VCF-style: chr13-32914707-C-T.
Other names: short protein forms S2072F.
Identifiers: ClinVar variation 1319574 (VCV001319574.14), dbSNP rs80358862, ClinGen allele CA247513282.